The following is an entry in ClinVar:

ClinVar aggregate classification (germline): Uncertain significance (1 of 4 stars; one submission).

Conditions:
MC4R-related disorder. Also called: MC4R-related condition.

Submission:

PreventionGenetics, part of Exact Sciences
Classification: Uncertain significance for MC4R-related condition. Last evaluated: 2026-07-14. Review status: criteria provided, single submitter. Criteria: ACMG Guidelines, 2015. Collection method: clinical testing. Allele origin: germline.
Comment: The MC4R c.572G>C variant is predicted to result in the amino acid substitution p.Ser191Thr. Functional studies using HEK293 cells indicate that the p.Ser191Thr variant has no impact on the plasma membrane association of MC4R, but may impact the homodimerization (Brouwers et al. 2021. PubMed ID: 33761344). This variant has not been reported in a large population database (gnomAD), indicating this variant is rare. At this time, the clinical significance of this variant is uncertain due to the absence of conclusive functional and genetic evidence.

NM_005912.3(MC4R):c.572G>C (p.Ser191Thr)

Gene: MC4R (melanocortin 4 receptor; minus strand). Cytogenetic location: 18q21.32.
Variant type: single nucleotide variant.
Coding change: c.572G>C on transcript NM_005912.3 (MANE Select); coding-DNA position 572, G replaced by C.
Protein change: p.Ser191Thr; replaces serine 191 with threonine.
Molecular consequence: missense variant.
Genome position (GRCh38, 1-based): chr18:60,371,778, C>G on the plus strand (G>C on the coding strand, the complement: MC4R is on the minus strand). VCF-style: chr18-60371778-C-G. GRCh37 (hg19) VCF-style: chr18-58039011-C-G.
Other names: short protein forms S191T.
Identifiers: ClinVar variation 4990014 (VCV004990014.1).